The following is an entry in ClinVar:

NM_022482.5(GZF1):c.1138G>A (p.Glu380Lys)

Gene: GZF1 (GDNF inducible zinc finger protein 1; plus strand). Cytogenetic location: 20p11.21.
Variant type: single nucleotide variant.
Coding change: c.1138G>A on transcript NM_022482.5 (MANE Select); coding-DNA position 1138, G replaced by A.
Protein change: p.Glu380Lys; replaces glutamic acid 380 with lysine.
Molecular consequence: missense variant.
Genome position (GRCh38, 1-based): chr20:23,365,521, G>A. VCF-style: chr20-23365521-G-A. GRCh37 (hg19) VCF-style: chr20-23346158-G-A.
Other names: c.1138G>A, p.Glu380Lys (NM_001317012.2, NM_001317019.1); short protein forms E380K.
Identifiers: ClinVar variation 1469015 (VCV001469015.6), dbSNP rs2123043690, ClinGen allele CA408411133.

ClinVar aggregate classification (germline): Uncertain significance (1 of 4 stars; one submission).

Submission:

Labcorp Genetics (formerly Invitae), Labcorp
Classification: Uncertain significance. Last evaluated: 2021-09-26. Review status: criteria provided, single submitter. Criteria: Invitae Variant Classification Sherloc (09022015). Collection method: clinical testing. Allele origin: germline.
Comment: In summary, the available evidence is currently insufficient to determine the role of this variant in disease. Therefore, it has been classified as a Variant of Uncertain Significance. Algorithms developed to predict the effect of missense changes on protein structure and function are either unavailable or do not agree on the potential impact of this missense change (SIFT: "Not Available"; PolyPhen-2: "Possibly Damaging"; Align-GVGD: "Not Available"). This variant has not been reported in the literature in individuals affected with GZF1-related conditions. This variant is not present in population databases (ExAC no frequency). This sequence change replaces glutamic acid with lysine at codon 380 of the GZF1 protein (p.Glu380Lys). The glutamic acid residue is weakly conserved and there is a small physicochemical difference between glutamic acid and lysine.